The following is an entry in ClinVar:

ClinVar aggregate classification (germline): Benign/Likely benign. Review status: criteria provided, multiple submitters, no conflicts (2 of 4 stars). 5 submissions from 5 submitters: Benign (2); Likely benign (3). Last evaluated 2026-07-01.

Conditions:
Inborn genetic diseases. Identifiers: MedGen C0950123, MeSH D030342.
Developmental and epileptic encephalopathy, 9 (DEE9). Also called: Early infantile epileptic encephalopathy 9; JUBERG-HELLMAN SYNDROME; PCDH19-Related X-Linked Female-Limited Epilepsy with Mental Retardation; EPILEPSY, FEMALE-RESTRICTED, WITH MENTAL RETARDATION. Identifiers: Orphanet 101039, Orphanet 2076, MedGen C1848137, MONDO:0010246, OMIM 300088. Disease mechanism: loss of function.

Allele frequency attached by ClinVar (database versions not stated): gnomAD exomes 0.00019 and 0.00039; gnomAD 0.00022; ExAC 0.00024; TOPMed 0.00026; ESP Exome Variant Server 0.00039.
gnomAD v4.1: 252 of 1,208,423 alleles (0.021%); highest among the groups gnomAD compares: Admixed American, 0.0044%; no homozygotes.

Submissions (5):

CeGaT Center for Human Genetics Tuebingen
Classification: Likely benign. Last evaluated: 2026-07-01. Review status: criteria provided, single submitter. Criteria: CeGaT Center For Human Genetics Tuebingen Variant Classification Criteria Version 2. Collection method: clinical testing. Allele origin: germline. Affected: yes. Observed: 1 variant allele.
Comment: PCDH19: BP4, BP7, BS2

Labcorp Genetics (formerly Invitae), Labcorp
Classification: Likely benign for Developmental and epileptic encephalopathy, 9. Last evaluated: 2026-01-26. Review status: criteria provided, single submitter. Criteria: Invitae Variant Classification Sherloc (09022015). Collection method: clinical testing. Allele origin: germline.

Blueprint Genetics
Classification: Likely benign. Last evaluated: 2024-02-13. Review status: criteria provided, single submitter. Criteria: ACMG Guidelines, 2015. Collection method: clinical testing. Allele origin: germline.

GeneDx
Classification: Benign. Last evaluated: 2021-04-16. Review status: criteria provided, single submitter. Criteria: GeneDx Variant Classification Process June 2021. Collection method: clinical testing. Allele origin: germline. Affected: yes.
Comment: Has no predicted effect on splicing and the nucleotide is not conserved across species; Has not been previously published as pathogenic or benign to our knowledge

Ambry Genetics
Classification: Benign for Inborn genetic diseases. Last evaluated: 2017-10-27. Review status: criteria provided, single submitter. Criteria: Ambry Variant Classification Scheme 2023. Collection method: clinical testing. Allele origin: germline.

NM_001184880.2(PCDH19):c.2790T>C (p.Ala930=)

Gene: PCDH19 (protocadherin 19; minus strand). Cytogenetic location: Xq22.1.
Variant type: single nucleotide variant.
Coding change: c.2790T>C on transcript NM_001184880.2 (MANE Select); coding-DNA position 2790, T replaced by C.
Protein change: p.Ala930=; no amino-acid change (alanine 930 retained).
Molecular consequence: synonymous variant.
Genome position (GRCh38, 1-based): chrX:100,341,961, A>G on the plus strand (T>C on the coding strand, the complement: PCDH19 is on the minus strand). VCF-style: chrX-100341961-A-G. GRCh37 (hg19) VCF-style: chrX-99596959-A-G.
Other names: c.2649T>C, p.Ala883= (NM_001105243.2); c.2646T>C, p.Ala882= (NM_020766.3).
Identifiers: ClinVar variation 380720 (VCV000380720.18), dbSNP rs375759744, ClinGen allele CA10468708.